The following is an entry in ClinVar:

NM_020964.3(EPG5):c.3754C>T (p.Arg1252Trp)

Gene: EPG5 (ectopic P-granules 5 autophagy tethering factor; minus strand). Cytogenetic location: 18q21.1.
Variant type: single nucleotide variant.
Coding change: c.3754C>T on transcript NM_020964.3 (MANE Select); coding-DNA position 3754, C replaced by T.
Protein change: p.Arg1252Trp; replaces arginine 1252 with tryptophan.
Molecular consequence: missense variant.
Genome position (GRCh38, 1-based): chr18:45,913,768, G>A on the plus strand (C>T on the coding strand, the complement: EPG5 is on the minus strand). VCF-style: chr18-45913768-G-A. GRCh37 (hg19) VCF-style: chr18-43493733-G-A.
Other names: c.3754C>T, p.Arg1252Trp (LRG_1234t1); short protein forms R1252W.
Identifiers: ClinVar variation 654232 (VCV000654232.12), dbSNP rs78690150, ClinGen allele CA8949074.

ClinVar aggregate classification (germline): Uncertain significance. Review status: criteria provided, multiple submitters, no conflicts (2 of 4 stars). 3 submissions from 3 submitters: Uncertain significance (3). Last evaluated 2025-12-16.

Conditions:
EPG5-related disorder. Also called: EPG5-related condition. Identifiers: MedGen CN381528.
Vici syndrome (VICIS). Identifiers: Orphanet 1493, MedGen C1855772, MONDO:0009452, OMIM 242840.
Inborn genetic diseases. Identifiers: MedGen C0950123, MeSH D030342.

Allele frequency attached by ClinVar (database versions not stated): TOPMed 0.00031; ESP Exome Variant Server 0.00033; 1000 Genomes Project 0.00040; 1000 Genomes Project 30x 0.00062; gnomAD exomes 0.00011; ExAC 0.00014; gnomAD 0.00027 and 0.00029.
gnomAD v4.1: 91 of 1,614,078 alleles (0.0056%); highest among the groups gnomAD compares: African/African-American, 0.092%; no homozygotes.

Submissions (3):

Labcorp Genetics (formerly Invitae), Labcorp
Classification: Uncertain significance for Vici syndrome. Last evaluated: 2025-12-16. Review status: criteria provided, single submitter. Criteria: Invitae Variant Classification Sherloc (09022015). Collection method: clinical testing. Allele origin: germline.
Comment: This sequence change replaces arginine, which is basic and polar, with tryptophan, which is neutral and slightly polar, at codon 1252 of the EPG5 protein (p.Arg1252Trp). This variant is present in population databases (rs78690150, gnomAD 0.1%). This variant has not been reported in the literature in individuals affected with EPG5-related conditions. ClinVar contains an entry for this variant (Variation ID: 654232). Invitae Evidence Modeling of protein sequence and biophysical properties (such as structural, functional, and spatial information, amino acid conservation, physicochemical variation, residue mobility, and thermodynamic stability) indicates that this missense variant is not expected to disrupt EPG5 protein function with a negative predictive value of 80%. In summary, the available evidence is currently insufficient to determine the role of this variant in disease. Therefore, it has been classified as a Variant of Uncertain Significance.

Ambry Genetics
Classification: Uncertain significance for Inborn genetic diseases. Last evaluated: 2025-08-08. Review status: criteria provided, single submitter. Criteria: Ambry Variant Classification Scheme 2023. Collection method: clinical testing. Allele origin: germline.

PreventionGenetics, part of Exact Sciences
Classification: Uncertain significance for EPG5-related condition. Last evaluated: 2025-02-07. Review status: criteria provided, single submitter. Criteria: ACMG Guidelines, 2015. Collection method: clinical testing. Allele origin: germline.
Comment: The EPG5 c.3754C>T variant is predicted to result in the amino acid substitution p.Arg1252Trp. To our knowledge, this variant has not been reported in the literature. This variant is reported in 0.12% of alleles in individuals of African descent in gnomAD, which is likely to frequent for an unreported disease-causing variant. Although we suspect that this variant may be benign, at this time, the clinical significance of this variant is uncertain due to the absence of conclusive functional and genetic evidence.